The following is an entry in ClinVar:

ClinVar aggregate classification (germline): Uncertain significance (1 of 4 stars; one submission).

gnomAD v4.1: 17 of 1,209,694 alleles (0.0014%); highest among the groups gnomAD compares: East Asian, 0.003%; no homozygotes.

Submission:

Labcorp Genetics (formerly Invitae), Labcorp
Classification: Uncertain significance. Last evaluated: 2025-06-30. Review status: criteria provided, single submitter. Criteria: Invitae Variant Classification Sherloc (09022015). Collection method: clinical testing. Allele origin: germline.
Comment: This sequence change replaces arginine, which is basic and polar, with glutamine, which is neutral and polar, at codon 554 of the CLCN5 protein (p.Arg554Gln). This variant is present in population databases (no rsID available, gnomAD 0.04%). This variant has not been reported in the literature in individuals affected with CLCN5-related conditions. Invitae Evidence Modeling of protein sequence and biophysical properties (such as structural, functional, and spatial information, amino acid conservation, physicochemical variation, residue mobility, and thermodynamic stability) indicates that this missense variant is not expected to disrupt CLCN5 protein function with a negative predictive value of 80%. In summary, the available evidence is currently insufficient to determine the role of this variant in disease. Therefore, it has been classified as a Variant of Uncertain Significance.

NM_001127898.4(CLCN5):c.1871G>A (p.Arg624Gln)

Genes: CLCN5 (chloride voltage-gated channel 5; plus strand), LOC126863258 (BRD4-independent group 4 enhancer GRCh37_chrX:49854497-49855696; plus strand). Cytogenetic location: Xp11.23.
Variant type: single nucleotide variant.
Coding change: c.1871G>A on transcript NM_001127898.4 (MANE Select); coding-DNA position 1871, G replaced by A.
Protein change: p.Arg624Gln; replaces arginine 624 with glutamine.
Molecular consequence: missense variant. On other transcripts: non-coding transcript variant (1).
Genome position (GRCh38, 1-based): chrX:50,090,242, G>A. VCF-style: chrX-50090242-G-A. GRCh37 (hg19) VCF-style: chrX-49854899-G-A.
Other names: c.1661G>A, p.Arg554Gln (NM_000084.5); c.1871G>A, p.Arg624Gln (NM_001127899.4); c.1721G>A, p.Arg574Gln (NM_001282163.2); c.1883G>A, p.Arg628Gln (NM_001440756.1, NM_001440757.1); short protein forms R624Q, R574Q, R628Q, R554Q.
Identifiers: ClinVar variation 4694693 (VCV004694693.1).